The following is an entry in ClinVar:

ClinVar aggregate classification (germline): Uncertain significance. Review status: criteria provided, multiple submitters, no conflicts (2 of 4 stars). 2 submissions from 2 submitters: Uncertain significance (2). Last evaluated 2025-01-17.

Conditions:
Inborn genetic diseases. Identifiers: MedGen C0950123, MeSH D030342.
Koolen-de Vries syndrome (KDVS). Identifiers: Orphanet 96169, MedGen C1864871, MONDO:0012496, OMIM 610443.

Allele frequency attached by ClinVar (database versions not stated): TOPMed below 0.00001; ExAC 0.00001; gnomAD 0.00001; gnomAD exomes 0.00001 and 0.00005.
gnomAD v4.1: 72 of 1,613,562 alleles (0.0045%); highest among the groups gnomAD compares: Non-Finnish European, 0.0061%; no homozygotes.

Submissions (2):

Ambry Genetics
Classification: Uncertain significance for Inborn genetic diseases. Last evaluated: 2025-01-17. Review status: criteria provided, single submitter. Criteria: Ambry Variant Classification Scheme 2023. Collection method: clinical testing. Allele origin: germline.

Labcorp Genetics (formerly Invitae), Labcorp
Classification: Uncertain significance for Koolen-de Vries syndrome. Last evaluated: 2024-10-22. Review status: criteria provided, single submitter. Criteria: Invitae Variant Classification Sherloc (09022015). Collection method: clinical testing. Allele origin: germline.
Comment: Due to the possible presence of a polymorphic segmental duplication, the location of the variant could not be unambiguously resolved. Variants with ambiguous mapping are still reported relative to the KANSL1 transcript. This sequence change replaces aspartic acid, which is acidic and polar, with histidine, which is basic and polar, at codon 468 of the KANSL1 protein (p.Asp468His). The frequency data for this variant in the population databases (gnomAD) is considered unreliable due to the presence of homologous sequence, such as pseudogenes or paralogs, in the genome. This variant has not been reported in the literature in individuals with KANSL1-related conditions. ClinVar contains an entry for this variant (Variation ID: 536299). Invitae Evidence Modeling of protein sequence and biophysical properties (such as structural, functional, and spatial information, amino acid conservation, physicochemical variation, residue mobility, and thermodynamic stability) indicates that this missense variant is expected to disrupt KANSL1 protein function with a positive predictive value of 80%. Until the location of this sequence change can be resolved, the clinical significance of this variant remains uncertain. It has been classified as a Variant of Uncertain Significance.

NM_015443.4(KANSL1):c.1402G>C (p.Asp468His)

Gene: KANSL1 (KAT8 regulatory NSL complex subunit 1). Cytogenetic location: 17q21.31.
Variant type: single nucleotide variant.
Coding change: c.1402G>C on transcript NM_015443.4 (MANE Select); coding-DNA position 1402, G replaced by C.
Protein change: p.Asp468His; replaces aspartic acid 468 with histidine.
Molecular consequence: missense variant.
Genome position (GRCh38, 1-based): chr17:46,094,589, C>G on the plus strand (G>C on the coding strand, the complement: KANSL1 is on the minus strand). VCF-style: chr17-46094589-C-G. GRCh37 (hg19) VCF-style: chr17-44171955-C-G.
Other names: c.1402G>C, p.Asp468His (NM_001193465.2, NM_001193466.2, NM_001379198.1); short protein forms D468H.
Identifiers: ClinVar variation 536299 (VCV000536299.10), dbSNP rs745576981, ClinGen allele CA8618839.